The following is an entry in ClinVar:

ClinVar aggregate classification (germline): Uncertain significance (1 of 4 stars; one submission).

gnomAD v4.1: 2 of 1,525,300 alleles (0.00013%); highest among the groups gnomAD compares: East Asian, 0.0025%; no homozygotes.

Submission:

Women's Health and Genetics/Laboratory Corporation of America, LabCorp
Classification: Uncertain significance. Last evaluated: 2024-07-02. Review status: criteria provided, single submitter. Criteria: LabCorp Variant Classification Summary - May 2015. Collection method: clinical testing. Allele origin: germline.
Comment: Variant summary: ANTXR2 c.658G>A (p.Glu220Lys) results in a conservative amino acid change located in the Anthrax toxin receptor, C-terminal domain (IPR008399) of the encoded protein sequence. Four of five in-silico tools predict a damaging effect of the variant on protein function. The variant was absent in 132608 control chromosomes (gnomAD). The available data on variant occurrences in the general population are insufficient to allow any conclusion about variant significance. To our knowledge, no occurrence of c.658G>A in individuals affected with Hyaline Fibromatosis Syndrome and no experimental evidence demonstrating its impact on protein function have been reported. No submitters have cited clinical-significance assessments for this variant to ClinVar. Based on the evidence outlined above, the variant was classified as uncertain significance.

NM_058172.6(ANTXR2):c.658G>A (p.Glu220Lys)

Gene: ANTXR2 (ANTXR cell adhesion molecule 2; minus strand). Cytogenetic location: 4q21.21.
Variant type: single nucleotide variant.
Coding change: c.658G>A on transcript NM_058172.6 (MANE Select); coding-DNA position 658, G replaced by A.
Protein change: p.Glu220Lys; replaces glutamic acid 220 with lysine.
Molecular consequence: missense variant.
Genome position (GRCh38, 1-based): chr4:80,036,011, C>T on the plus strand (G>A on the coding strand, the complement: ANTXR2 is on the minus strand). VCF-style: chr4-80036011-C-T. GRCh37 (hg19) VCF-style: chr4-80957165-C-T.
Other names: c.658G>A, p.Glu220Lys (NM_001145794.2); c.427G>A, p.Glu143Lys (NM_001286780.2, NM_001286781.2); short protein forms E143K, E220K.
Identifiers: ClinVar variation 3339179 (VCV003339179.1).